The following is an entry in ClinVar:

NM_000540.3(RYR1):c.6797-6C>A

Gene: RYR1 (ryanodine receptor 1; plus strand). Cytogenetic location: 19q13.2.
Variant type: single nucleotide variant.
Coding change: c.6797-6C>A on transcript NM_000540.3 (MANE Select); 6 bases into the intron before coding-DNA position 6797, C replaced by A.
Molecular consequence: intron variant.
Genome position (GRCh38, 1-based): chr19:38,496,854, C>A. VCF-style: chr19-38496854-C-A. GRCh37 (hg19) VCF-style: chr19-38987494-C-A.
Other names: c.6797-6C>A (NM_001042723.2).
Identifiers: ClinVar variation 513542 (VCV000513542.13), dbSNP rs1405203955, ClinGen allele CA632874221.

ClinVar aggregate classification (germline): Conflicting classifications of pathogenicity. Review status: criteria provided, conflicting classifications (1 of 4 stars). 4 submissions from 4 submitters: Uncertain significance (1); Likely benign (3). Last evaluated 2025-08-26.

Conditions:
RYR1-related disorder. Also called: RYR1-related condition; RYR1-related disorders. Identifiers: MedGen CN239331.
Malignant hyperthermia, susceptibility to, 1 (MHS1). Also called: Anesthesia related hyperthermia; Malignant hyperpyrexia; Fulminating hyperpyrexia; Pharmacogenic myopathy; RYR1-Related Malignant Hyperthermia Susceptibility; Malignant hyperthermia suceptibility 1. Identifiers: Orphanet 423, MedGen C2930980, MONDO:0007783, OMIM 145600.

Allele frequency attached by ClinVar (database versions not stated): gnomAD exomes 0.00001; TOPMed 0.00001.
gnomAD v4.1: 4 of 1,612,816 alleles (0.00025%); highest among the groups gnomAD compares: Admixed American, 0.0033%; no homozygotes.

Submissions (4):

Color Diagnostics, LLC DBA Color Health
Classification: Likely benign for Malignant hyperthermia, susceptibility to, 1. Last evaluated: 2025-08-26. Review status: criteria provided, single submitter. Criteria: ACMG Guidelines, 2015. Collection method: clinical testing. Allele origin: germline.

Labcorp Genetics (formerly Invitae), Labcorp
Classification: Likely benign for RYR1-related disorder. Last evaluated: 2025-03-07. Review status: criteria provided, single submitter. Criteria: Invitae Variant Classification Sherloc (09022015). Collection method: clinical testing. Allele origin: germline.

All of Us Research Program, National Institutes of Health
Classification: Uncertain significance for Malignant hyperthermia, susceptibility to, 1. Last evaluated: 2023-11-20. Review status: criteria provided, single submitter. Criteria: ACMG Guidelines, 2015. Collection method: clinical testing. Allele origin: germline. Inheritance: Autosomal dominant inheritance. Observed: 2 variant alleles, 2 heterozygotes.
Comment: This variant causes a C to A nucleotide substitution at the -6 position of intron 41 of the RYR1 gene. To our knowledge, functional studies have not been reported for this variant. This variant has not been reported in individuals affected with RYR1-related disorders in the literature. This variant has been identified in 2/250246 chromosomes in the general population by the Genome Aggregation Database (gnomAD). The available evidence is insufficient to determine the role of this variant in disease conclusively. Therefore, this variant is classified as a Variant of Uncertain Significance.

This study involves interpretation of variants in research participants for the purpose of population health screening. Participant phenotype was not available at the time of variant classification. Additional details can be found in publication PMID: 35346344, PMCID: PMC8962531

GeneDx
Classification: Likely benign. Last evaluated: 2021-05-10. Review status: criteria provided, single submitter. Criteria: GeneDx Variant Classification Process June 2021. Collection method: clinical testing. Allele origin: germline. Affected: yes.